The following is an entry in ClinVar:

NM_025144.4(ALPK1):c.1569G>A (p.Met523Ile)

Gene: ALPK1 (alpha kinase 1; plus strand). Cytogenetic location: 4q25.
Variant type: single nucleotide variant.
Coding change: c.1569G>A on transcript NM_025144.4 (MANE Select); coding-DNA position 1569, G replaced by A.
Protein change: p.Met523Ile; replaces methionine 523 with isoleucine.
Molecular consequence: missense variant.
Genome position (GRCh38, 1-based): chr4:112,431,116, G>A. VCF-style: chr4-112431116-G-A. GRCh37 (hg19) VCF-style: chr4-113352272-G-A.
Other names: c.1569G>A, p.Met523Ile (NM_001102406.2); c.1335G>A, p.Met445Ile (NM_001253884.2); c.1569G>A (NM_001102406.1); short protein forms M523I, M445I.
Identifiers: ClinVar variation 2048882 (VCV002048882.8), dbSNP rs34815402, ClinGen allele CA3046748.
Genomic context (GRCh38, chr4:112,431,116, plus strand): 5'-GAGTACTACTCAAGAAAAGCCACATTGTCAAAGAGACACAGGAATATCTTCCTCCCTAAT[G>A]GGTAAGAATGTTCAGAGGGAACTCAGAAGGGGAGGAAGGAGAAACTGGACCCATTCTGAT-3'
Protein context (NP_079420.3, residues 513-533): QRDTGISSSL[Met523Ile]GKNVQRELRR

ClinVar aggregate classification (germline): Benign/Likely benign. Review status: criteria provided, multiple submitters, no conflicts (2 of 4 stars). 3 submissions from 3 submitters: Benign (1); Likely benign (1). 1 of the submissions does not count toward it. Last evaluated 2026-04-14.

Conditions:
ALPK1-related disorder. Also called: ALPK1-related condition.

Allele frequency attached by ClinVar (database versions not stated): 1000 Genomes Project 0.00060; 1000 Genomes Project 30x 0.00062; TOPMed 0.00150; gnomAD 0.00155; ExAC 0.00183; ESP Exome Variant Server 0.00208; gnomAD exomes 0.00270.
gnomAD v4.1: 4,192 of 1,614,178 alleles (0.26%); highest among the groups gnomAD compares: Non-Finnish European, 0.32%; 5 homozygotes.

Submissions (6):

Women's Health and Genetics/Laboratory Corporation of America, LabCorp
Classification: Likely benign. Last evaluated: 2026-04-14. Review status: criteria provided, single submitter. Criteria: LabCorp Variant Classification Summary - May 2015. Collection method: clinical testing. Allele origin: germline.

Labcorp Genetics (formerly Invitae), Labcorp
Classification: Benign. Last evaluated: 2026-01-28. Review status: criteria provided, single submitter. Criteria: Invitae Variant Classification Sherloc (09022015). Collection method: clinical testing. Allele origin: germline.

PreventionGenetics, part of Exact Sciences
Classification: Likely benign for ALPK1-related condition. Last evaluated: 2023-05-25. Review status: no assertion criteria provided. Collection method: clinical testing. Allele origin: germline. Not counted in ClinVar's aggregate classification.
Comment: This variant is classified as likely benign based on ACMG/AMP sequence variant interpretation guidelines (Richards et al. 2015 PMID: 25741868, with internal and published modifications).

Dr. Peter K. Rogan Lab, Western University
No classification provided (evidence only). Condition: Uterine corpus endometrial carcinoma. Review status: no classification provided. Collection method: in vitro. Allele origin: not applicable. Functional consequence: retained intron. Not counted in ClinVar's aggregate classification.

Dr. Peter K. Rogan Lab, Western University
No classification provided (evidence only). Condition: Uterine corpus endometrial carcinoma. Review status: no classification provided. Collection method: in vitro. Allele origin: not applicable. Functional consequence: retained intron. Not counted in ClinVar's aggregate classification.

Dr. Peter K. Rogan Lab, Western University
No classification provided (evidence only). Condition: Ovarian cancer. Review status: no classification provided. Collection method: in vitro. Allele origin: not applicable. Functional consequence: skipped exon. Not counted in ClinVar's aggregate classification.